The following is an entry in ClinVar:

ClinVar aggregate classification (germline): Uncertain significance (1 of 4 stars; one submission).

Allele frequency attached by ClinVar (database versions not stated): gnomAD 0.00001; ExAC 0.00002; gnomAD exomes 0.00002; 1000 Genomes Project 0.00040; 1000 Genomes Project 30x 0.00047.
gnomAD v4.1: 12 of 1,613,246 alleles (0.00074%); highest among the groups gnomAD compares: East Asian, 0.027%; no homozygotes.

Submission:

Labcorp Genetics (formerly Invitae), Labcorp
Classification: Uncertain significance. Last evaluated: 2021-08-24. Review status: criteria provided, single submitter. Criteria: Invitae Variant Classification Sherloc (09022015). Collection method: clinical testing. Allele origin: germline.
Comment: This sequence change replaces arginine with serine at codon 471 of the CEP135 protein (p.Arg471Ser). The arginine residue is moderately conserved and there is a moderate physicochemical difference between arginine and serine. This variant is present in population databases (rs200700689, ExAC 0.03%). This variant has not been reported in the literature in individuals affected with CEP135-related conditions. Algorithms developed to predict the effect of missense changes on protein structure and function (SIFT, PolyPhen-2, Align-GVGD) all suggest that this variant is likely to be tolerated. In summary, the available evidence is currently insufficient to determine the role of this variant in disease. Therefore, it has been classified as a Variant of Uncertain Significance.

NM_025009.5(CEP135):c.1413A>T (p.Arg471Ser)

Gene: CEP135 (centrosomal protein 135; plus strand). Cytogenetic location: 4q12.
Variant type: single nucleotide variant.
Coding change: c.1413A>T on transcript NM_025009.5 (MANE Select); coding-DNA position 1413, A replaced by T.
Protein change: p.Arg471Ser; replaces arginine 471 with serine.
Molecular consequence: missense variant.
Genome position (GRCh38, 1-based): chr4:55,974,909, A>T. VCF-style: chr4-55974909-A-T. GRCh37 (hg19) VCF-style: chr4-56841075-A-T.
Other names: short protein forms R471S.
Identifiers: ClinVar variation 1519421 (VCV001519421.4), dbSNP rs200700689, ClinGen allele CA2927859.